The following is an entry in ClinVar:

ClinVar aggregate classification (germline): Uncertain significance (1 of 4 stars; one submission).

Allele frequency attached by ClinVar (database versions not stated): gnomAD exomes below 0.00001; TOPMed below 0.00001; ExAC 0.00001.
gnomAD v4.1: 3 of 1,613,972 alleles (0.00019%); highest among the groups gnomAD compares: Non-Finnish European, 0.00025%; no homozygotes.

Submission:

GeneDx
Classification: Uncertain significance. Last evaluated: 2022-07-13. Review status: criteria provided, single submitter. Criteria: GeneDx Variant Classification Process June 2021. Collection method: clinical testing. Allele origin: germline. Affected: yes.
Comment: In silico analysis supports that this missense variant does not alter protein structure/function; Has not been previously published as pathogenic or benign to our knowledge

NM_030632.3(ASXL3):c.6512T>C (p.Ile2171Thr)

Gene: ASXL3 (ASXL transcriptional regulator 3; plus strand). Cytogenetic location: 18q12.1.
Variant type: single nucleotide variant.
Coding change: c.6512T>C on transcript NM_030632.3 (MANE Select); coding-DNA position 6512, T replaced by C.
Protein change: p.Ile2171Thr; replaces isoleucine 2171 with threonine.
Molecular consequence: missense variant.
Genome position (GRCh38, 1-based): chr18:33,746,360, T>C. VCF-style: chr18-33746360-T-C. GRCh37 (hg19) VCF-style: chr18-31326324-T-C.
Other names: short protein forms I2171T.
Identifiers: ClinVar variation 1878956 (VCV001878956.1), dbSNP rs746016958, ClinGen allele CA8934660.
Genomic context (GRCh38, chr18:33,746,360, plus strand): 5'-GTGGAAATTATCCAACAATACACTTTGGTAGCACGAGTTTCAAAAGGGCAGCATCTGCAA[T>C]TGAAAAGTCCATTGGGATTTTGGGAAGTGGCTCCAATCCTGCCACAGGCTTGTCTGGTCA-3'
Protein context (NP_085135.1, residues 2161-2181): STSFKRAASA[Ile2171Thr]EKSIGILGSG